The following is an entry in ClinVar:

NM_001466.4(FZD2):c.15C>G (p.Ser5Arg)

Gene: FZD2 (frizzled class receptor 2; plus strand). Cytogenetic location: 17q21.31.
Variant type: single nucleotide variant.
Coding change: c.15C>G on transcript NM_001466.4 (MANE Select); coding-DNA position 15, C replaced by G.
Protein change: p.Ser5Arg; replaces serine 5 with arginine.
Molecular consequence: missense variant.
Genome position (GRCh38, 1-based): chr17:44,557,703, C>G. VCF-style: chr17-44557703-C-G. GRCh37 (hg19) VCF-style: chr17-42635071-C-G.
Other names: short protein forms S5R.
Identifiers: ClinVar variation 2977660 (VCV002977660.3), dbSNP rs1413946017, ClinGen allele CA399789215.

ClinVar aggregate classification (germline): Uncertain significance (1 of 4 stars; one submission).

Allele frequency attached by ClinVar (database versions not stated): gnomAD exomes below 0.00001; TOPMed 0.00002.
gnomAD v4.1: 2 of 1,485,092 alleles (0.00013%); highest among the groups gnomAD compares: Admixed American, 0.0023%; no homozygotes.

Submission:

Labcorp Genetics (formerly Invitae), Labcorp
Classification: Uncertain significance. Last evaluated: 2025-10-01. Review status: criteria provided, single submitter. Criteria: Invitae Variant Classification Sherloc (09022015). Collection method: clinical testing. Allele origin: germline.
Comment: This sequence change replaces serine, which is neutral and polar, with arginine, which is basic and polar, at codon 5 of the FZD2 protein (p.Ser5Arg). This variant is not present in population databases (gnomAD no frequency). This variant has not been reported in the literature in individuals affected with FZD2-related conditions. ClinVar contains an entry for this variant (Variation ID: 2977660). An algorithm developed to predict the effect of missense changes on protein structure and function outputs the following: PolyPhen-2: "Not Available". The arginine amino acid residue is found in multiple mammalian species, which suggests that this missense change does not adversely affect protein function. In summary, the available evidence is currently insufficient to determine the role of this variant in disease. Therefore, it has been classified as a Variant of Uncertain Significance.